The following is an entry in ClinVar:

NM_001792.5(CDH2):c.2194A>G (p.Ile732Val)

Gene: CDH2 (cadherin 2; minus strand). Cytogenetic location: 18q12.1.
Variant type: single nucleotide variant.
Coding change: c.2194A>G on transcript NM_001792.5 (MANE Select); coding-DNA position 2194, A replaced by G.
Protein change: p.Ile732Val; replaces isoleucine 732 with valine.
Molecular consequence: missense variant.
Genome position (GRCh38, 1-based): chr18:27,985,015, T>C on the plus strand (A>G on the coding strand, the complement: CDH2 is on the minus strand). VCF-style: chr18-27985015-T-C. GRCh37 (hg19) VCF-style: chr18-25564979-T-C.
Other names: c.2101A>G, p.Ile701Val (NM_001308176.2); short protein forms I701V, I732V.
Identifiers: ClinVar variation 3673679 (VCV003673679.2).

ClinVar aggregate classification (germline): Uncertain significance (1 of 4 stars; one submission).

gnomAD v4.1: 5 of 1,612,954 alleles (0.00031%); highest among the groups gnomAD compares: East Asian, 0.0089%; no homozygotes.

Submission:

Labcorp Genetics (formerly Invitae), Labcorp
Classification: Uncertain significance. Last evaluated: 2025-01-01. Review status: criteria provided, single submitter. Criteria: Invitae Variant Classification Sherloc (09022015). Collection method: clinical testing. Allele origin: germline.
Comment: This sequence change replaces isoleucine, which is neutral and non-polar, with valine, which is neutral and non-polar, at codon 732 of the CDH2 protein (p.Ile732Val). This variant is present in population databases (rs762635467, gnomAD 0.02%). This variant has not been reported in the literature in individuals affected with CDH2-related conditions. An algorithm developed to predict the effect of missense changes on protein structure and function (PolyPhen-2) suggests that this variant is likely to be tolerated. In summary, the available evidence is currently insufficient to determine the role of this variant in disease. Therefore, it has been classified as a Variant of Uncertain Significance.